The following is an entry in ClinVar:

ClinVar aggregate classification (germline): Likely pathogenic (1 of 4 stars; one submission).

Submission:

Labcorp Genetics (formerly Invitae), Labcorp
Classification: Likely pathogenic. Last evaluated: 2024-01-04. Review status: criteria provided, single submitter. Criteria: Invitae Variant Classification Sherloc (09022015). Collection method: clinical testing. Allele origin: germline.
Comment: This sequence change replaces valine, which is neutral and non-polar, with alanine, which is neutral and non-polar, at codon 192 of the BCS1L protein (p.Val192Ala). This variant is not present in population databases (gnomAD no frequency). This missense change has been observed in individual(s) with BCS1L-related conditions (Invitae). In at least one individual the data is consistent with being in trans (on the opposite chromosome) from a pathogenic variant. Advanced modeling of protein sequence and biophysical properties (such as structural, functional, and spatial information, amino acid conservation, physicochemical variation, residue mobility, and thermodynamic stability) performed at Invitae indicates that this missense variant is expected to disrupt BCS1L protein function with a positive predictive value of 95%. In summary, the currently available evidence indicates that the variant is pathogenic, but additional data are needed to prove that conclusively. Therefore, this variant has been classified as Likely Pathogenic.

NM_001079866.2(BCS1L):c.575T>C (p.Val192Ala)

Gene: BCS1L (BCS1 ubiquinol-cytochrome c reductase complex chaperone; plus strand). Cytogenetic location: 2q35.
Variant type: single nucleotide variant.
Coding change: c.575T>C on transcript NM_001079866.2 (MANE Select); coding-DNA position 575, T replaced by C.
Protein change: p.Val192Ala; replaces valine 192 with alanine.
Molecular consequence: missense variant. On other transcripts: non-coding transcript variant (1).
Genome position (GRCh38, 1-based): chr2:218,661,873, T>C. VCF-style: chr2-218661873-T-C. GRCh37 (hg19) VCF-style: chr2-219526596-T-C.
Other names: c.575T>C, p.Val192Ala (NM_001257342.2, NM_001257343.2, NM_001257344.2 and 10 more transcripts); c.215T>C, p.Val72Ala (NM_001318836.2, NM_001371451.1); c.74T>C, p.Val25Ala (NM_001371452.1, NM_001371453.1, NM_001371454.1 and 3 more transcripts); short protein forms V72A, V192A, V25A.
Identifiers: ClinVar variation 2701060 (VCV002701060.3), dbSNP rs2469880668, ClinGen allele CA350627369.